The following is an entry in ClinVar:

ClinVar aggregate classification (germline): Uncertain significance (1 of 4 stars; one submission).

Submission:

Labcorp Genetics (formerly Invitae), Labcorp
Classification: Uncertain significance. Last evaluated: 2025-04-26. Review status: criteria provided, single submitter. Criteria: Invitae Variant Classification Sherloc (09022015). Collection method: clinical testing. Allele origin: germline.
Comment: This sequence change replaces alanine, which is neutral and non-polar, with valine, which is neutral and non-polar, at codon 66 of the MFAP5 protein (p.Ala66Val). The frequency data for this variant in the population databases is considered unreliable, as metrics indicate poor data quality at this position in the gnomAD database. This variant has not been reported in the literature in individuals affected with MFAP5-related conditions. An algorithm developed to predict the effect of missense changes on protein structure and function outputs the following: PolyPhen-2: "Benign". The valine amino acid residue is found in multiple mammalian species, which suggests that this missense change does not adversely affect protein function. Algorithms developed to predict the effect of sequence changes on RNA splicing suggest that this variant may disrupt the consensus splice site. In summary, the available evidence is currently insufficient to determine the role of this variant in disease. Therefore, it has been classified as a Variant of Uncertain Significance.

NM_003480.4(MFAP5):c.197C>T (p.Ala66Val)

Gene: MFAP5 (microfibril associated protein 5; minus strand). Cytogenetic location: 12p13.31.
Variant type: single nucleotide variant.
Coding change: c.197C>T on transcript NM_003480.4 (MANE Select); coding-DNA position 197, C replaced by T.
Protein change: p.Ala66Val; replaces alanine 66 with valine.
Molecular consequence: missense variant. On other transcripts: non-coding transcript variant (2), intron variant (1).
Genome position (GRCh38, 1-based): chr12:8,654,457, G>A on the plus strand (C>T on the coding strand, the complement: MFAP5 is on the minus strand). VCF-style: chr12-8654457-G-A. GRCh37 (hg19) VCF-style: chr12-8807053-G-A.
Other names: c.197C>T, p.Ala66Val (NM_001297709.2, NM_001297712.2); c.161C>T, p.Ala54Val (NM_001297710.2); c.172+958C>T (NM_001297711.2); short protein forms A66V, A54V.
Identifiers: ClinVar variation 4707111 (VCV004707111.1).